The following is an entry in ClinVar:

ClinVar aggregate classification (germline): Uncertain significance. Review status: criteria provided, multiple submitters, no conflicts (2 of 4 stars). 2 submissions from 2 submitters: Uncertain significance (2). Last evaluated 2026-03-20.

Conditions:
Chédiak-Higashi syndrome (CHS). Also called: Chediak-Higashi Syndrome. Identifiers: Orphanet 167, MedGen C0007965, MONDO:0008963, OMIM 214500.

Allele frequency attached by ClinVar (database versions not stated): gnomAD exomes 0.00001; TOPMed 0.00003; ESP Exome Variant Server 0.00008.
gnomAD v4.1: 4 of 1,614,068 alleles (0.00025%); highest among the groups gnomAD compares: African/African-American, 0.004%; no homozygotes.

Submissions (2):

GeneDx
Classification: Uncertain significance. Last evaluated: 2026-03-20. Review status: criteria provided, single submitter. Criteria: GeneDx Variant Classification Process June 2021. Collection method: clinical testing. Allele origin: germline.
Comment: Not observed at significant frequency in large population cohorts (gnomAD); In silico analysis supports that this missense variant has a deleterious effect on protein structure/function; Has not been previously published as pathogenic or benign to our knowledge

Labcorp Genetics (formerly Invitae), Labcorp
Classification: Uncertain significance for Chédiak-Higashi syndrome. Last evaluated: 2021-11-30. Review status: criteria provided, single submitter. Criteria: Invitae Variant Classification Sherloc (09022015). Collection method: clinical testing. Allele origin: germline.
Comment: This sequence change replaces histidine, which is basic and polar, with arginine, which is basic and polar, at codon 439 of the LYST protein (p.His439Arg). This variant is present in population databases (rs140698096, gnomAD 0.007%). This variant has not been reported in the literature in individuals affected with LYST-related conditions. Algorithms developed to predict the effect of missense changes on protein structure and function (SIFT, PolyPhen-2, Align-GVGD) all suggest that this variant is likely to be tolerated. In summary, the available evidence is currently insufficient to determine the role of this variant in disease. Therefore, it has been classified as a Variant of Uncertain Significance.

NM_000081.4(LYST):c.1316A>G (p.His439Arg)

Gene: LYST (lysosomal trafficking regulator; minus strand). Cytogenetic location: 1q42.3.
Variant type: single nucleotide variant.
Coding change: c.1316A>G on transcript NM_000081.4 (MANE Select); coding-DNA position 1316, A replaced by G.
Protein change: p.His439Arg; replaces histidine 439 with arginine.
Molecular consequence: missense variant.
Genome position (GRCh38, 1-based): chr1:235,809,502, T>C on the plus strand (A>G on the coding strand, the complement: LYST is on the minus strand). VCF-style: chr1-235809502-T-C. GRCh37 (hg19) VCF-style: chr1-235972802-T-C.
Other names: c.1316A>G, p.His439Arg (NM_001301365.1); c.1316A>G (NM_000081.2); short protein forms H439R.
Identifiers: ClinVar variation 1978988 (VCV001978988.3), dbSNP rs140698096, ClinGen allele CA39617948.